The following is an entry in ClinVar:

ClinVar aggregate classification (germline): Pathogenic (1 of 4 stars; one submission).

Submission:

Baylor Genetics
Classification: Pathogenic. Last evaluated: 2018-11-01. Review status: criteria provided, single submitter. Criteria: ACMG CNV Guidelines, 2011. Collection method: clinical testing. Allele origin: germline. Affected: yes. Observed: 1 variant allele.
Comment: Deletions involving this region have been previously reported in patients with intellectual disability [PMID# 22180641]

GRCh37/hg19 15q24.2(chr15:75648132-76102251)

Genes: CSPG4 (chondroitin sulfate proteoglycan 4; minus strand), IMP3 (IMP U3 small nucleolar ribonucleoprotein 3; minus strand), MAN2C1 (mannosidase alpha class 2C member 1; minus strand), ODF3L1 (outer dense fiber of sperm tails 3 like 1; plus strand), PTPN9 (protein tyrosine phosphatase non-receptor type 9; minus strand) and 3 more. Cytogenetic location: 15q24.2.
Variant type: copy number loss.
Identifiers: ClinVar variation 625749 (VCV000625749.1).